The following is an entry in ClinVar:

NM_002076.4(GNS):c.1585A>G (p.Arg529Gly)

Gene: GNS (glucosamine (N-acetyl)-6-sulfatase; minus strand). Cytogenetic location: 12q14.3.
Variant type: single nucleotide variant.
Coding change: c.1585A>G on transcript NM_002076.4 (MANE Select); coding-DNA position 1585, A replaced by G.
Protein change: p.Arg529Gly; replaces arginine 529 with glycine.
Molecular consequence: missense variant.
Genome position (GRCh38, 1-based): chr12:64,716,815, T>C on the plus strand (A>G on the coding strand, the complement: GNS is on the minus strand). VCF-style: chr12-64716815-T-C. GRCh37 (hg19) VCF-style: chr12-65110595-T-C.
Other names: short protein forms R529G.
Identifiers: ClinVar variation 1957862 (VCV001957862.2), dbSNP rs2539499886, ClinGen allele CA385599989.

ClinVar aggregate classification (germline): Uncertain significance (1 of 4 stars; one submission).

Conditions:
Mucopolysaccharidosis, MPS-III-D (MPS3D). Also called: N-ACETYLGLUCOSAMINE-6-SULFATASE DEFICIENCY; SANFILIPPO SYNDROME D; MPS III D; Mucopoly-saccharidosis type 3D; N-acetylglucosamine-6-sulfate sulfatase deficiency; MPS 3D. Identifiers: Orphanet 581, Orphanet 79272, MedGen C0086650, MONDO:0009658, OMIM 252940.

Submission:

Labcorp Genetics (formerly Invitae), Labcorp
Classification: Uncertain significance for Mucopolysaccharidosis, MPS-III-D. Last evaluated: 2022-09-04. Review status: criteria provided, single submitter. Criteria: Invitae Variant Classification Sherloc (09022015). Collection method: clinical testing. Allele origin: germline.
Comment: This sequence change replaces arginine, which is basic and polar, with glycine, which is neutral and non-polar, at codon 529 of the GNS protein (p.Arg529Gly). This variant is not present in population databases (gnomAD no frequency). This variant has not been reported in the literature in individuals affected with GNS-related conditions. Algorithms developed to predict the effect of missense changes on protein structure and function are either unavailable or do not agree on the potential impact of this missense change (SIFT: "Deleterious"; PolyPhen-2: "Benign"; Align-GVGD: "Class C0"). Algorithms developed to predict the effect of sequence changes on RNA splicing suggest that this variant may disrupt the consensus splice site. In summary, the available evidence is currently insufficient to determine the role of this variant in disease. Therefore, it has been classified as a Variant of Uncertain Significance.